The following is an entry in ClinVar:

NM_020884.7(MYH7B):c.5140T>C (p.Leu1714=)

Gene: MYH7B (myosin heavy chain 7B; plus strand). Cytogenetic location: 20q11.22.
Variant type: single nucleotide variant.
Coding change: c.5140T>C on transcript NM_020884.7 (MANE Select); coding-DNA position 5140, T replaced by C.
Protein change: p.Leu1714=; no amino-acid change (leucine 1714 retained).
Molecular consequence: synonymous variant.
Genome position (GRCh38, 1-based): chr20:35,000,651, T>C. VCF-style: chr20-35000651-T-C. GRCh37 (hg19) VCF-style: chr20-33588454-T-C.
Other names: c.5266T>C (NM_020884.4).
Identifiers: ClinVar variation 2652277 (VCV002652277.27), dbSNP rs77382367, ClinGen allele CA9828432.
Genomic context (GRCh38, chr20:35,000,651, plus strand): 5'-GAGCTGCGGGCTGCCCTGGAGCAGGGCGAGCGCAGCCGGCGACTGGCAGAGCAGGAGCTT[T>C]TGGAGGCCACCGAGCGCCTCAACCTTCTGCATTCGCAGGTGGGGACAGGAGTCCCTGGGG-3'
Protein context (NP_065935.4, residues 1704-1724): RSRRLAEQEL[Leu1714=]EATERLNLLH

ClinVar aggregate classification (germline): Likely benign. Review status: criteria provided, multiple submitters, no conflicts (2 of 4 stars). 3 submissions from 3 submitters: Likely benign (2). 1 of the submissions does not count toward it. Last evaluated 2024-10-02.

Conditions:
MYH7B-related disorder. Also called: MYH7B-related condition.

Allele frequency attached by ClinVar (database versions not stated): gnomAD 0.00007; TOPMed 0.00014; gnomAD exomes 0.00002; ExAC 0.00005; 1000 Genomes Project 0.00020; 1000 Genomes Project 30x 0.00047.
gnomAD v4.1: 36 of 1,583,316 alleles (0.0023%); highest among the groups gnomAD compares: African/African-American, 0.035%; no homozygotes.

Submissions (3):

Labcorp Genetics (formerly Invitae), Labcorp
Classification: Likely benign. Last evaluated: 2024-10-02. Review status: criteria provided, single submitter. Criteria: Invitae Variant Classification Sherloc (09022015). Collection method: clinical testing. Allele origin: germline.

CeGaT Center for Human Genetics Tuebingen
Classification: Likely benign. Last evaluated: 2022-11-01. Review status: criteria provided, single submitter. Criteria: CeGaT Center For Human Genetics Tuebingen Variant Classification Criteria Version 2. Collection method: clinical testing. Allele origin: germline. Affected: yes. Observed: 1 variant allele.
Comment: MYH7B: BP4, BP7

PreventionGenetics, part of Exact Sciences
Classification: Likely benign for MYH7B-related condition. Last evaluated: 2020-09-22. Review status: no assertion criteria provided. Collection method: clinical testing. Allele origin: germline. Not counted in ClinVar's aggregate classification.
Comment: This variant is classified as likely benign based on ACMG/AMP sequence variant interpretation guidelines (Richards et al. 2015 PMID: 25741868, with internal and published modifications).